The following is an entry in ClinVar:

NM_000393.5(COL5A2):c.2140G>A (p.Gly714Arg)

Gene: COL5A2 (collagen type V alpha 2 chain; minus strand). Cytogenetic location: 2q32.2.
Variant type: single nucleotide variant.
Coding change: c.2140G>A on transcript NM_000393.5 (MANE Select); coding-DNA position 2140, G replaced by A.
Protein change: p.Gly714Arg; replaces glycine 714 with arginine.
Molecular consequence: missense variant.
Genome position (GRCh38, 1-based): chr2:189,058,518, C>T on the plus strand (G>A on the coding strand, the complement: COL5A2 is on the minus strand). VCF-style: chr2-189058518-C-T. GRCh37 (hg19) VCF-style: chr2-189923244-C-T.
Other names: short protein forms G714R.
Identifiers: ClinVar variation 2736697 (VCV002736697.3), dbSNP rs2469279515, ClinGen allele CA349875894.
Genomic context (GRCh38, chr2:189,058,518, plus strand): 5'-CCATTCCCTTCTCACCAGGGAGTCCAGTTATCCCAGGTTCTCCTCTTTCCCCAGGATTTC[C>T]TCGTTCTCCCTAGCACAAAATTGGGATGTCAAATAATCTCAATACTTGATCTAAAAATAG-3'
Protein context (NP_000384.2, residues 704-724): VGPLGPRGER[Gly714Arg]NPGERGEPGI

ClinVar aggregate classification (germline): Uncertain significance (1 of 4 stars; one submission).

Conditions:
Ehlers-Danlos syndrome, classic type, 1 (EDSCL1). Also called: EHLERS-DANLOS SYNDROME, GRAVIS TYPE; EHLERS-DANLOS SYNDROME, SEVERE CLASSIC TYPE; Ehlers-Danlos syndrome, type 1; Ehlers-Danlos Syndrome, Classic Type, COL5A1-Related; EDS I. Identifiers: MedGen C0268335, MONDO:0019567, OMIM 130000.

Submission:

Labcorp Genetics (formerly Invitae), Labcorp
Classification: Uncertain significance for Ehlers-Danlos syndrome, classic type, 1. Last evaluated: 2023-06-16. Review status: criteria provided, single submitter. Criteria: Invitae Variant Classification Sherloc (09022015). Collection method: clinical testing. Allele origin: germline.
Comment: This variant has not been reported in the literature in individuals affected with COL5A2-related conditions. Advanced modeling of protein sequence and biophysical properties (such as structural, functional, and spatial information, amino acid conservation, physicochemical variation, residue mobility, and thermodynamic stability) performed at Invitae indicates that this missense variant is expected to disrupt COL5A2 protein function. In summary, the available evidence is currently insufficient to determine the role of this variant in disease. Therefore, it has been classified as a Variant of Uncertain Significance. This sequence change replaces glycine, which is neutral and non-polar, with arginine, which is basic and polar, at codon 714 of the COL5A2 protein (p.Gly714Arg). This variant is not present in population databases (gnomAD no frequency).